The following is an entry in ClinVar:

NM_003803.4(MYOM1):c.2205A>T (p.Lys735Asn)

Gene: MYOM1 (myomesin 1; minus strand). Cytogenetic location: 18p11.31.
Variant type: single nucleotide variant.
Coding change: c.2205A>T on transcript NM_003803.4 (MANE Select); coding-DNA position 2205, A replaced by T.
Protein change: p.Lys735Asn; replaces lysine 735 with asparagine.
Molecular consequence: missense variant.
Genome position (GRCh38, 1-based): chr18:3,135,551, T>A on the plus strand (A>T on the coding strand, the complement: MYOM1 is on the minus strand). VCF-style: chr18-3135551-T-A. GRCh37 (hg19) VCF-style: chr18-3135549-T-A.
Other names: c.2205A>T, p.Lys735Asn (NM_019856.2); short protein forms K735N.
Identifiers: ClinVar variation 2692851 (VCV002692851.4), dbSNP rs1233607128, ClinGen allele CA401712875.

ClinVar aggregate classification (germline): Uncertain significance. Review status: criteria provided, multiple submitters, no conflicts (2 of 4 stars). 2 submissions from 2 submitters: Uncertain significance (2). Last evaluated 2026-07-26.

Conditions:
Hypertrophic cardiomyopathy. Also called: HYPERTROPHIC MYOCARDIOPATHY. Identifiers: Orphanet 217569, MedGen C0007194, MeSH D002312, MONDO:0005045, HP:0001639.

Allele frequency attached by ClinVar (database versions not stated): gnomAD exomes below 0.00001; TOPMed 0.00001; gnomAD 0.00001.
gnomAD v4.1: 4 of 1,612,928 alleles (0.00025%); highest among the groups gnomAD compares: African/African-American, 0.0053%; no homozygotes.

Submissions (2):

Ambry Genetics
Classification: Uncertain significance. Last evaluated: 2026-07-26. Review status: criteria provided, single submitter. Criteria: Ambry Variant Classification Scheme 2023. Collection method: clinical testing. Allele origin: germline.
Comment: The p.K735N variant (also known as c.2205A>T), located in coding exon 14 of the MYOM1 gene, results from an A to T substitution at nucleotide position 2205. The lysine at codon 735 is replaced by asparagine, an amino acid with similar properties. This amino acid position is conserved. In addition, this alteration is predicted to be tolerated by in silico analysis. Based on the available evidence, the clinical significance of this variant remains unclear.

Labcorp Genetics (formerly Invitae), Labcorp
Classification: Uncertain significance for Hypertrophic cardiomyopathy. Last evaluated: 2025-06-29. Review status: criteria provided, single submitter. Criteria: Invitae Variant Classification Sherloc (09022015). Collection method: clinical testing. Allele origin: germline.
Comment: This sequence change replaces lysine, which is basic and polar, with asparagine, which is neutral and polar, at codon 735 of the MYOM1 protein (p.Lys735Asn). This variant is not present in population databases (gnomAD no frequency). This variant has not been reported in the literature in individuals affected with MYOM1-related conditions. ClinVar contains an entry for this variant (Variation ID: 2692851). Invitae Evidence Modeling of protein sequence and biophysical properties (such as structural, functional, and spatial information, amino acid conservation, physicochemical variation, residue mobility, and thermodynamic stability) indicates that this missense variant is expected to disrupt MYOM1 protein function with a positive predictive value of 80%. In summary, the available evidence is currently insufficient to determine the role of this variant in disease. Therefore, it has been classified as a Variant of Uncertain Significance.